The following is an entry in ClinVar:

ClinVar aggregate classification (germline): Uncertain significance (1 of 4 stars; one submission).

Conditions:
Cardiovascular phenotype. Identifiers: MedGen CN230736.
Hereditary cancer-predisposing syndrome. Also called: Neoplastic Syndromes, Hereditary; Tumor predisposition; Hereditary Cancer Syndrome; Hereditary neoplastic syndrome. Identifiers: Orphanet 140162, MedGen C0027672, MeSH D009386, MONDO:0015356.

Submission:

Ambry Genetics
Classification: Uncertain significance for Cardiovascular phenotype; Hereditary cancer-predisposing syndrome. Last evaluated: 2016-11-23. Review status: criteria provided, single submitter. Criteria: Ambry Variant Classification Scheme 2023. Collection method: clinical testing. Allele origin: germline.
Comment: The p.K329R variant (also known as c.986A>G), located in coding exon 9 of the NF1 gene, results from an A to G substitution at nucleotide position 986. The lysine at codon 329 is replaced by arginine, an amino acid with highly similar properties. This amino acid position is highly conserved in available vertebrate species. In addition, the in silico prediction for this alteration is inconclusive. Since supporting evidence is limited at this time, the clinical significance of this alteration remains unclear.

NM_001042492.3(NF1):c.986A>G (p.Lys329Arg)

Gene: NF1 (neurofibromin 1; plus strand). Cytogenetic location: 17q11.2.
Variant type: single nucleotide variant.
Coding change: c.986A>G on transcript NM_001042492.3 (MANE Select); coding-DNA position 986, A replaced by G.
Protein change: p.Lys329Arg; replaces lysine 329 with arginine.
Molecular consequence: missense variant.
Genome position (GRCh38, 1-based): chr17:31,200,519, A>G. VCF-style: chr17-31200519-A-G. GRCh37 (hg19) VCF-style: chr17-29527537-A-G.
Other names: c.986A>G, p.Lys329Arg (NM_000267.4, NM_001128147.3); short protein forms K329R.
Identifiers: ClinVar variation 484075 (VCV000484075.5), dbSNP rs1555610894, ClinGen allele CA398996110.